The following is an entry in ClinVar:

ClinVar aggregate classification (germline): Uncertain significance (1 of 4 stars; one submission).

Conditions:
Catecholaminergic polymorphic ventricular tachycardia 1. Also called: RYR2-Related Catecholaminergic Polymorphic Ventricular Tachycardia; VENTRICULAR TACHYCARDIA, CATECHOLAMINERGIC POLYMORPHIC, 1, WITH OR WITHOUT ATRIAL DYSFUNCTION AND/OR DILATED CARDIOMYOPATHY; VENTRICULAR TACHYCARDIA, STRESS-INDUCED POLYMORPHIC 1. Identifiers: Orphanet 3286, MedGen C1631597, MONDO:0011484, OMIM 604772.

Submission:

Labcorp Genetics (formerly Invitae), Labcorp
Classification: Uncertain significance for Catecholaminergic polymorphic ventricular tachycardia 1. Last evaluated: 2021-05-17. Review status: criteria provided, single submitter. Criteria: Invitae Variant Classification Sherloc (09022015). Collection method: clinical testing. Allele origin: germline.
Comment: This sequence change replaces glutamic acid with alanine at codon 4107 of the RYR2 protein (p.Glu4107Ala). The glutamic acid residue is highly conserved and there is a moderate physicochemical difference between glutamic acid and alanine. In summary, the available evidence is currently insufficient to determine the role of this variant in disease. Therefore, it has been classified as a Variant of Uncertain Significance. Advanced modeling of protein sequence and biophysical properties (such as structural, functional, and spatial information, amino acid conservation, physicochemical variation, residue mobility, and thermodynamic stability) performed at Invitae indicates that this missense variant is expected to disrupt RYR2 protein function. This variant has not been reported in the literature in individuals with RYR2-related conditions. This variant is not present in population databases (ExAC no frequency).

NM_001035.3(RYR2):c.12320A>C (p.Glu4107Ala)

Gene: RYR2 (ryanodine receptor 2; plus strand). Cytogenetic location: 1q43.
Variant type: single nucleotide variant.
Coding change: c.12320A>C on transcript NM_001035.3 (MANE Select); coding-DNA position 12320, A replaced by C.
Protein change: p.Glu4107Ala; replaces glutamic acid 4107 with alanine.
Molecular consequence: missense variant.
Genome position (GRCh38, 1-based): chr1:237,784,032, A>C. VCF-style: chr1-237784032-A-C. GRCh37 (hg19) VCF-style: chr1-237947332-A-C.
Other names: short protein forms E4107A.
Identifiers: ClinVar variation 1354369 (VCV001354369.9), dbSNP rs2149353356, ClinGen allele CA345412956.